The following is an entry in ClinVar:

ClinVar aggregate classification (germline): Likely benign (1 of 4 stars; one submission).

Submission:

GeneDx
Classification: Likely benign. Last evaluated: 2018-02-21. Review status: criteria provided, single submitter. Criteria: GeneDx Variant Classification (06012015). Collection method: clinical testing. Allele origin: germline. Affected: yes.
Comment: This variant is considered likely benign or benign based on one or more of the following criteria: it is a conservative change, it occurs at a poorly conserved position in the protein, it is predicted to be benign by multiple in silico algorithms, and/or has population frequency not consistent with disease.

NM_001271.4(CHD2):c.63-13C>A

Gene: CHD2 (chromodomain helicase DNA binding protein 2; plus strand). Cytogenetic location: 15q26.1.
Variant type: single nucleotide variant.
Coding change: c.63-13C>A on transcript NM_001271.4 (MANE Select); 13 bases into the intron before coding-DNA position 63, C replaced by A.
Molecular consequence: intron variant.
Genome position (GRCh38, 1-based): chr15:92,924,308, C>A. VCF-style: chr15-92924308-C-A. GRCh37 (hg19) VCF-style: chr15-93467538-C-A.
Other names: c.63-13C>A (NM_001042572.3).
Identifiers: ClinVar variation 515514 (VCV000515514.1), dbSNP rs1555437419, ClinGen allele CA658798436.